The following is an entry in ClinVar:

ClinVar aggregate classification (germline): Conflicting classifications of pathogenicity. Review status: criteria provided, conflicting classifications (1 of 4 stars). 5 submissions from 5 submitters: Uncertain significance (4); Likely benign (1). Last evaluated 2025-11-01.

Conditions:
Hereditary cancer-predisposing syndrome. Also called: Hereditary neoplastic syndrome; Tumor predisposition; Hereditary Cancer Syndrome; Neoplastic Syndromes, Hereditary. Identifiers: Orphanet 140162, MedGen C0027672, MeSH D009386, MONDO:0015356.
POLD1-related polyposis and colorectal cancer syndrome (CRCS10). Also called: Colorectal cancer, susceptibility to, 10; Colorectal cancer 10; COLORECTAL CANCER, SUSCEPTIBILITY TO, ON CHROMOSOME 19q. Identifiers: Orphanet 220460, MedGen C2675481, MONDO:0012953, OMIM 612591.
Mandibular hypoplasia-deafness-progeroid syndrome. Also called: Mandibular hypoplasia, deafness, progeroid features, and lipodystrophy syndrome. Identifiers: Orphanet 363649, MedGen C3715192, MONDO:0014157, OMIM 615381.
Immunodeficiency 120. Identifiers: MedGen C5935622, MONDO:0970994, OMIM 620836.
POLD1-related disorder. Also called: POLD1-related disorders; POLD1-related condition.

Allele frequency attached by ClinVar (database versions not stated): TOPMed below 0.00001; gnomAD 0.00001; gnomAD exomes 0.00001 and 0.00002.
gnomAD v4.1: 31 of 1,601,586 alleles (0.0019%); highest among the groups gnomAD compares: South Asian, 0.0045%; no homozygotes.

Submissions (5):

Labcorp Genetics (formerly Invitae), Labcorp
Classification: Uncertain significance for POLD1-related polyposis and colorectal cancer syndrome. Last evaluated: 2025-11-01. Review status: criteria provided, single submitter. Criteria: Invitae Variant Classification Sherloc (09022015). Collection method: clinical testing. Allele origin: germline.
Comment: This sequence change replaces alanine, which is neutral and non-polar, with valine, which is neutral and non-polar, at codon 215 of the POLD1 protein (p.Ala215Val). This variant is present in population databases (no rsID available, gnomAD 0.003%). This variant has not been reported in the literature in individuals affected with POLD1-related conditions. ClinVar contains an entry for this variant (Variation ID: 639408). Invitae Evidence Modeling of protein sequence and biophysical properties (such as structural, functional, and spatial information, amino acid conservation, physicochemical variation, residue mobility, and thermodynamic stability) indicates that this missense variant is not expected to disrupt POLD1 protein function with a negative predictive value of 80%. In summary, the available evidence is currently insufficient to determine the role of this variant in disease. Therefore, it has been classified as a Variant of Uncertain Significance.

PreventionGenetics, part of Exact Sciences
Classification: Uncertain significance for POLD1-related condition. Last evaluated: 2025-08-26. Review status: criteria provided, single submitter. Criteria: ACMG Guidelines, 2015. Collection method: clinical testing. Allele origin: germline.
Comment: The POLD1 c.644C>T variant is predicted to result in the amino acid substitution p.Ala215Val. To our knowledge, this variant has not been reported in the literature. This variant is reported in 0.0035% of alleles in individuals of South Asian descent in gnomAD and has conflicting interpretations in ClinVar, ranging from uncertain to likely benign (Variation ID: 639408). At this time, the clinical significance of this variant is uncertain due to the absence of conclusive functional and genetic evidence.

Ambry Genetics
Classification: Likely benign for Hereditary cancer-predisposing syndrome. Last evaluated: 2024-12-19. Review status: criteria provided, single submitter. Criteria: Ambry Variant Classification Scheme 2023. Collection method: clinical testing. Allele origin: germline.

Fulgent Genetics
Classification: Uncertain significance for POLD1-related polyposis and colorectal cancer syndrome; Mandibular hypoplasia-deafness-progeroid syndrome; Immunodeficiency 120. Last evaluated: 2024-03-24. Review status: criteria provided, single submitter. Criteria: ACMG Guidelines, 2015. Collection method: clinical testing. Allele origin: germline.

GeneDx
Classification: Uncertain significance. Last evaluated: 2022-09-16. Review status: criteria provided, single submitter. Criteria: GeneDx Variant Classification Process June 2021. Collection method: clinical testing. Allele origin: germline. Affected: yes.
Comment: Not observed at a significant frequency in large population cohorts (gnomAD); In silico analysis, which includes protein predictors and evolutionary conservation, supports a deleterious effect; Has not been previously published as pathogenic or benign to our knowledge

NM_002691.4(POLD1):c.644C>T (p.Ala215Val)

Gene: POLD1 (DNA polymerase delta 1, catalytic subunit; plus strand). Cytogenetic location: 19q13.33.
Variant type: single nucleotide variant.
Coding change: c.644C>T on transcript NM_002691.4 (MANE Select); coding-DNA position 644, C replaced by T.
Protein change: p.Ala215Val; replaces alanine 215 with valine.
Molecular consequence: missense variant. On other transcripts: non-coding transcript variant (1).
Genome position (GRCh38, 1-based): chr19:50,402,259, C>T. VCF-style: chr19-50402259-C-T. GRCh37 (hg19) VCF-style: chr19-50905516-C-T.
Other names: c.644C>T, p.Ala215Val (NM_001256849.1, NM_001308632.1); c.644C>T (NM_002691.2); short protein forms A215V.
Identifiers: ClinVar variation 639408 (VCV000639408.15), dbSNP rs993539085, ClinGen allele CA309599525.